The following is an entry in ClinVar:

NM_030667.3(PTPRO):c.2920+9G>A

Gene: PTPRO (protein tyrosine phosphatase receptor type O; plus strand). Cytogenetic location: 12p12.3.
Variant type: single nucleotide variant.
Coding change: c.2920+9G>A on transcript NM_030667.3 (MANE Select); 9 bases into the intron after coding-DNA position 2920, G replaced by A.
Molecular consequence: intron variant.
Genome position (GRCh38, 1-based): chr12:15,578,952, G>A. VCF-style: chr12-15578952-G-A. GRCh37 (hg19) VCF-style: chr12-15731886-G-A.
Other names: c.2920+9G>A (NM_030667.2); c.2836+9G>A (NM_002848.4); c.487+9G>A (NM_030671.3, NM_030669.3); c.403+9G>A (NM_030670.3, NM_030668.3).
Identifiers: ClinVar variation 2154829 (VCV002154829.7), dbSNP rs757572769, ClinGen allele CA6467024.

ClinVar aggregate classification (germline): Likely benign. Review status: criteria provided, multiple submitters, no conflicts (2 of 4 stars). 3 submissions from 3 submitters: Likely benign (2). 1 of the submissions does not count toward it. Last evaluated 2022-07-19.

Conditions:
PTPRO-related disorder. Also called: PTPRO-related condition.

Allele frequency attached by ClinVar (database versions not stated): TOPMed 0.00002; gnomAD exomes 0.00003; gnomAD 0.00004; ExAC 0.00005.
gnomAD v4.1: 53 of 1,555,322 alleles (0.0034%); highest among the groups gnomAD compares: South Asian, 0.013%; 2 homozygotes.

Submissions (3):

Labcorp Genetics (formerly Invitae), Labcorp
Classification: Likely benign. Last evaluated: 2022-07-19. Review status: criteria provided, single submitter. Criteria: Invitae Variant Classification Sherloc (09022015). Collection method: clinical testing. Allele origin: germline.

Blueprint Genetics
Classification: Likely benign. Last evaluated: 2021-12-02. Review status: criteria provided, single submitter. Criteria: ACMG Guidelines, 2015. Collection method: clinical testing. Allele origin: germline.

PreventionGenetics, part of Exact Sciences
Classification: Likely benign for PTPRO-related condition. Last evaluated: 2024-01-26. Review status: no assertion criteria provided. Collection method: clinical testing. Allele origin: germline. Not counted in ClinVar's aggregate classification.
Comment: This variant is classified as likely benign based on ACMG/AMP sequence variant interpretation guidelines (Richards et al. 2015 PMID: 25741868, with internal and published modifications).